The following is an entry in ClinVar:

NM_003590.5(CUL3):c.963G>C (p.Leu321Phe)

Gene: CUL3 (cullin 3; minus strand). Cytogenetic location: 2q36.2.
Variant type: single nucleotide variant.
Coding change: c.963G>C on transcript NM_003590.5 (MANE Select); coding-DNA position 963, G replaced by C.
Protein change: p.Leu321Phe; replaces leucine 321 with phenylalanine.
Molecular consequence: missense variant.
Genome position (GRCh38, 1-based): chr2:224,506,924, C>G on the plus strand (G>C on the coding strand, the complement: CUL3 is on the minus strand). VCF-style: chr2-224506924-C-G. GRCh37 (hg19) VCF-style: chr2-225371641-C-G.
Other names: c.765G>C, p.Leu255Phe (NM_001257197.2); c.981G>C, p.Leu327Phe (NM_001257198.2); short protein forms L255F, L321F, L327F.
Identifiers: ClinVar variation 4526710 (VCV004526710.2).

ClinVar aggregate classification (germline): Likely pathogenic (1 of 4 stars; one submission).

Conditions:
Neurodevelopmental disorder with or without autism or seizures (NEDAUS). Identifiers: MedGen C5543225, MONDO:0030994, OMIM 619239.

Submission:

Hadassah Hebrew University Medical Center
Classification: Likely pathogenic for Neurodevelopmental disorder with or without autism or seizures. Last evaluated: 2025-10-01. Review status: criteria provided, single submitter. Criteria: ACMG Guidelines, 2015. Collection method: clinical testing. Allele origin: de novo. Affected: yes.
Comment: This variant is absent from the global population databases (PM2_Moderate); Missense variant in a gene that has a low rate of benign missense variation and where missense variants are a common mechanism of disease (PP2); This variant is located within a functional domain (Cullin domain), where other missense variants have been reported as pathogenic (PM1); De novo (PS2_Strong)